The following is an entry in ClinVar:

ClinVar aggregate classification (germline): Uncertain significance (1 of 4 stars; one submission).

Submission:

Labcorp Genetics (formerly Invitae), Labcorp
Classification: Uncertain significance. Last evaluated: 2020-08-18. Review status: criteria provided, single submitter. Criteria: Invitae Variant Classification Sherloc (09022015). Collection method: clinical testing. Allele origin: germline.
Comment: Algorithms developed to predict the effect of missense changes on protein structure and function are either unavailable or do not agree on the potential impact of this missense change (SIFT: "Deleterious"; PolyPhen-2: "Probably Damaging"; Align-GVGD: "Class C15"). This variant has not been reported in the literature in individuals with P3H2-related conditions. This variant is not present in population databases (ExAC no frequency). This sequence change replaces threonine with lysine at codon 563 of the P3H2 protein (p.Thr563Lys). The threonine residue is highly conserved and there is a moderate physicochemical difference between threonine and lysine. In summary, the available evidence is currently insufficient to determine the role of this variant in disease. Therefore, it has been classified as a Variant of Uncertain Significance.

NM_018192.4(P3H2):c.1688C>A (p.Thr563Lys)

Gene: P3H2 (prolyl 3-hydroxylase 2; minus strand). Cytogenetic location: 3q28.
Variant type: single nucleotide variant.
Coding change: c.1688C>A on transcript NM_018192.4 (MANE Select); coding-DNA position 1688, C replaced by A.
Protein change: p.Thr563Lys; replaces threonine 563 with lysine.
Molecular consequence: missense variant.
Genome position (GRCh38, 1-based): chr3:189,972,885, G>T on the plus strand (C>A on the coding strand, the complement: P3H2 is on the minus strand). VCF-style: chr3-189972885-G-T. GRCh37 (hg19) VCF-style: chr3-189690674-G-T.
Other names: c.1145C>A, p.Thr382Lys (NM_001134418.2); short protein forms T563K, T382K.
Identifiers: ClinVar variation 1046408 (VCV001046408.5), dbSNP rs946647722, ClinGen allele CA89721045.